The following is an entry in ClinVar:

ClinVar aggregate classification (germline): Uncertain significance. Review status: criteria provided, single submitter (1 of 4 stars). 2 submissions from 2 submitters: Uncertain significance (1). 1 of the submissions does not count toward it. Last evaluated 2021-02-19.

Conditions:
Intellectual developmental disorder, autosomal dominant 45. Also called: MENTAL RETARDATION, AUTOSOMAL DOMINANT 45; Intellectual disability, autosomal dominant 45. Identifiers: MedGen C4539848, MONDO:0030910, OMIM 617600.
CIC-related disorder. Also called: CIC-related condition.

Allele frequency attached by ClinVar (database versions not stated): gnomAD exomes below 0.00001; gnomAD 0.00007; TOPMed 0.00012.
gnomAD v4.1: 11 of 398,772 alleles (0.0028%); highest among the groups gnomAD compares: African/African-American, 0.019%; no homozygotes.

Submissions (2):

New York Genome Center
Classification: Uncertain significance for Intellectual developmental disorder, autosomal dominant 45. Last evaluated: 2021-02-19. Review status: criteria provided, single submitter. Criteria: NYGC Assertion Criteria 2020. Collection method: clinical testing. Allele origin: germline. Observed: 1 heterozygote. Study: CSER-NYCKidSeq.

PreventionGenetics, part of Exact Sciences
Classification: Likely benign for CIC-related condition. Last evaluated: 2023-02-07. Review status: no assertion criteria provided. Collection method: clinical testing. Allele origin: germline. Not counted in ClinVar's aggregate classification.
Comment: This variant is classified as likely benign based on ACMG/AMP sequence variant interpretation guidelines (Richards et al. 2015 PMID: 25741868, with internal and published modifications).

NM_001386298.1(CIC):c.2182C>T (p.Pro728Ser)

Gene: CIC (capicua transcriptional repressor; plus strand). Cytogenetic location: 19q13.2.
Variant type: single nucleotide variant.
Coding change: c.2182C>T on transcript NM_001386298.1 (MANE Select); coding-DNA position 2182, C replaced by T.
Protein change: p.Pro728Ser; replaces proline 728 with serine.
Molecular consequence: missense variant.
Genome position (GRCh38, 1-based): chr19:42,273,965, C>T. VCF-style: chr19-42273965-C-T. GRCh37 (hg19) VCF-style: chr19-42778117-C-T.
Other names: c.2182C>T, p.Pro728Ser (NM_001304815.2, NM_001379480.1, NM_001379482.1); short protein forms P728S.
Identifiers: ClinVar variation 1341902 (VCV001341902.3), dbSNP rs970794792, ClinGen allele CA308615688.